The following is an entry in ClinVar:

ClinVar aggregate classification (germline): Likely benign (0 of 4 stars; one submission).

Conditions:
DNAH2-related disorder. Also called: DNAH2-related condition.

Allele frequency attached by ClinVar (database versions not stated): gnomAD exomes 0.00015; ExAC 0.00037; gnomAD 0.00088; ESP Exome Variant Server 0.00108; TOPMed 0.00114; 1000 Genomes Project 0.00140; 1000 Genomes Project 30x 0.00141.
gnomAD v4.1: 384 of 1,614,128 alleles (0.024%); highest among the groups gnomAD compares: African/African-American, 0.31%; 1 homozygote.

Submission:

PreventionGenetics, part of Exact Sciences
Classification: Likely benign for DNAH2-related condition. Last evaluated: 2019-02-27. Review status: no assertion criteria provided. Collection method: clinical testing. Allele origin: germline.
Comment: This variant is classified as likely benign based on ACMG/AMP sequence variant interpretation guidelines (Richards et al. 2015 PMID: 25741868, with internal and published modifications).

NM_020877.5(DNAH2):c.1470T>C (p.Leu490=)

Gene: DNAH2 (dynein axonemal heavy chain 2; plus strand). Cytogenetic location: 17p13.1.
Variant type: single nucleotide variant.
Coding change: c.1470T>C on transcript NM_020877.5 (MANE Select); coding-DNA position 1470, T replaced by C.
Protein change: p.Leu490=; no amino-acid change (leucine 490 retained).
Molecular consequence: synonymous variant.
Genome position (GRCh38, 1-based): chr17:7,740,513, T>C. VCF-style: chr17-7740513-T-C. GRCh37 (hg19) VCF-style: chr17-7643831-T-C.
Other names: c.1716T>C, p.Leu572= (NM_001303270.2).
Identifiers: ClinVar variation 3043260 (VCV003043260.2), dbSNP rs142412053, ClinGen allele CA8356151.